The following is an entry in ClinVar:

ClinVar aggregate classification (germline): Uncertain significance (1 of 4 stars; one submission).

Conditions:
Paragangliomas with sensorineural hearing loss. Identifiers: MedGen C1868633.
Pheochromocytoma. Also called: MAX-Related Hereditary Paraganglioma-Pheochromocytoma Syndrome. Identifiers: Orphanet 29072, MedGen C0031511, MONDO:0008233, OMIM 171300, HP:0002666.
Cowden syndrome 3 (CWS3). Identifiers: Orphanet 201, MedGen CN166604, MONDO:0014045.
Carney-Stratakis syndrome. Also called: PARAGANGLIOMA AND GASTROINTESTINAL STROMAL TUMOR. Identifiers: Orphanet 97286, MedGen C1847319, MONDO:0011740, OMIM 606864.

Submission:

Labcorp Genetics (formerly Invitae), Labcorp
Classification: Uncertain significance for Carney-Stratakis syndrome; Paragangliomas with sensorineural hearing loss; Pheochromocytoma; Cowden syndrome 3. Last evaluated: 2024-02-23. Review status: criteria provided, single submitter. Criteria: Invitae Variant Classification Sherloc (09022015). Collection method: clinical testing. Allele origin: germline.
Comment: This sequence change replaces leucine, which is neutral and non-polar, with proline, which is neutral and non-polar, at codon 21 of the SDHD protein (p.Leu21Pro). This variant is not present in population databases (gnomAD no frequency). This variant has not been reported in the literature in individuals affected with SDHD-related conditions. ClinVar contains an entry for this variant (Variation ID: 2121262). Advanced modeling of protein sequence and biophysical properties (such as structural, functional, and spatial information, amino acid conservation, physicochemical variation, residue mobility, and thermodynamic stability) has been performed at Invitae for this missense variant, however the output from this modeling did not meet the statistical confidence thresholds required to predict the impact of this variant on SDHD protein function. In summary, the available evidence is currently insufficient to determine the role of this variant in disease. Therefore, it has been classified as a Variant of Uncertain Significance.

NM_003002.4(SDHD):c.62T>C (p.Leu21Pro)

Gene: SDHD (succinate dehydrogenase complex subunit D; plus strand). Cytogenetic location: 11q23.1.
Variant type: single nucleotide variant.
Coding change: c.62T>C on transcript NM_003002.4 (MANE Select); coding-DNA position 62, T replaced by C.
Protein change: p.Leu21Pro; replaces leucine 21 with proline.
Molecular consequence: missense variant. On other transcripts: non-coding transcript variant (1), intron variant (1).
Genome position (GRCh38, 1-based): chr11:112,087,866, T>C. VCF-style: chr11-112087866-T-C. GRCh37 (hg19) VCF-style: chr11-111958590-T-C.
Other names: c.62T>C, p.Leu21Pro (NM_001276503.2, NM_001276506.2); c.52+907T>C (NM_001276504.2); short protein forms L21P.
Identifiers: ClinVar variation 2121262 (VCV002121262.4), dbSNP rs2498899441, ClinGen allele CA382616923.